The following is an entry in ClinVar:

NM_001844.5(COL2A1):c.857T>C (p.Val286Ala)

Gene: COL2A1 (collagen type II alpha 1 chain; minus strand). Cytogenetic location: 12q13.11.
Variant type: single nucleotide variant.
Coding change: c.857T>C on transcript NM_001844.5 (MANE Select); coding-DNA position 857, T replaced by C.
Protein change: p.Val286Ala; replaces valine 286 with alanine.
Molecular consequence: missense variant.
Genome position (GRCh38, 1-based): chr12:47,994,007, A>G on the plus strand (T>C on the coding strand, the complement: COL2A1 is on the minus strand). VCF-style: chr12-47994007-A-G. GRCh37 (hg19) VCF-style: chr12-48387790-A-G.
Other names: c.650T>C, p.Val217Ala (NM_033150.3); short protein forms V286A, V217A.
Identifiers: ClinVar variation 2703794 (VCV002703794.3), dbSNP rs2540169070, ClinGen allele CA384522301.
Genomic context (GRCh38, chr12:47,994,007, plus strand): 5'-CCCACCAGGCATCTCTTCCTTCCAACCTTCTCACCCGTGATACTTACTCTGTGACCTTTG[A>G]CACCAGGAAGGCCTGGGGTTCCTGGGAAACCACGAGCACCCTGCAATCCAAAGTGGAGGT-3'
Protein context (NP_001835.3, residues 276-296): GFPGTPGLPG[Val286Ala]KGHRGYPGLD

ClinVar aggregate classification (germline): Uncertain significance (1 of 4 stars; one submission).

Allele frequency attached by ClinVar (database versions not stated): gnomAD exomes below 0.00001.
gnomAD v4.1: 2 of 1,614,106 alleles (0.00012%); highest among the groups gnomAD compares: Non-Finnish European, 0.00017%; no homozygotes.

Submission:

Labcorp Genetics (formerly Invitae), Labcorp
Classification: Uncertain significance. Last evaluated: 2023-12-26. Review status: criteria provided, single submitter. Criteria: Invitae Variant Classification Sherloc (09022015). Collection method: clinical testing. Allele origin: germline.
Comment: This sequence change replaces valine, which is neutral and non-polar, with alanine, which is neutral and non-polar, at codon 286 of the COL2A1 protein (p.Val286Ala). This variant is not present in population databases (gnomAD no frequency). This variant has not been reported in the literature in individuals affected with COL2A1-related conditions. Advanced modeling of protein sequence and biophysical properties (such as structural, functional, and spatial information, amino acid conservation, physicochemical variation, residue mobility, and thermodynamic stability) performed at Invitae indicates that this missense variant is not expected to disrupt COL2A1 protein function with a negative predictive value of 95%. In summary, the available evidence is currently insufficient to determine the role of this variant in disease. Therefore, it has been classified as a Variant of Uncertain Significance.